The following is an entry in ClinVar:

NM_003673.4(TCAP):c.410C>A (p.Thr137Lys)

Gene: TCAP (titin-cap; plus strand). Cytogenetic location: 17q12.
Variant type: single nucleotide variant.
Coding change: c.410C>A on transcript NM_003673.4 (MANE Select); coding-DNA position 410, C replaced by A.
Protein change: p.Thr137Lys; replaces threonine 137 with lysine.
Molecular consequence: missense variant.
Genome position (GRCh38, 1-based): chr17:39,666,015, C>A. VCF-style: chr17-39666015-C-A. GRCh37 (hg19) VCF-style: chr17-37822268-C-A.
Other names: short protein forms T137K.
Identifiers: ClinVar variation 2647721 (VCV002647721.28), dbSNP rs773317399, ClinGen allele CA8532907.

ClinVar aggregate classification (germline): Uncertain significance. Review status: criteria provided, multiple submitters, no conflicts (2 of 4 stars). 4 submissions from 4 submitters: Uncertain significance (4). Last evaluated 2026-03-03.

Conditions:
Primary familial hypertrophic cardiomyopathy (HCM). Identifiers: Orphanet 99739, MedGen C0949658, MeSH D024741, MONDO:0024573. Inheritance: Various modes of inheritance.
Hypertrophic cardiomyopathy 25 (CMH25). Also called: CARDIOMYOPATHY, FAMILIAL HYPERTROPHIC, 25. Identifiers: MedGen C4225408, MONDO:0011843, OMIM 607487.
Cardiovascular phenotype. Identifiers: MedGen CN230736.

Allele frequency attached by ClinVar (database versions not stated): TOPMed below 0.00001; gnomAD exomes 0.00001; ExAC 0.00003.
gnomAD v4.1: 8 of 1,611,680 alleles (0.0005%); highest among the groups gnomAD compares: South Asian, 0.0088%; no homozygotes.

Submissions (4):

GeneDx
Classification: Uncertain significance. Last evaluated: 2026-03-03. Review status: criteria provided, single submitter. Criteria: GeneDx Variant Classification Process June 2021. Collection method: clinical testing. Allele origin: germline.
Comment: Not observed at significant frequency in large population cohorts (gnomAD); In silico analysis supports that this missense variant has a deleterious effect on protein structure/function; Has not been previously published as pathogenic or benign to our knowledge

Labcorp Genetics (formerly Invitae), Labcorp
Classification: Uncertain significance for Hypertrophic cardiomyopathy 25; Primary familial hypertrophic cardiomyopathy. Last evaluated: 2025-01-27. Review status: criteria provided, single submitter. Criteria: Invitae Variant Classification Sherloc (09022015). Collection method: clinical testing. Allele origin: germline.
Comment: This sequence change replaces threonine, which is neutral and polar, with lysine, which is basic and polar, at codon 137 of the TCAP protein (p.Thr137Lys). This variant is present in population databases (rs773317399, gnomAD 0.01%). This variant has not been reported in the literature in individuals affected with TCAP-related conditions. ClinVar contains an entry for this variant (Variation ID: 2647721). An algorithm developed to predict the effect of missense changes on protein structure and function outputs the following: PolyPhen-2: "Benign". The lysine amino acid residue is found in multiple mammalian species, which suggests that this missense change does not adversely affect protein function. In summary, the available evidence is currently insufficient to determine the role of this variant in disease. Therefore, it has been classified as a Variant of Uncertain Significance.

Ambry Genetics
Classification: Uncertain significance for Cardiovascular phenotype. Last evaluated: 2024-04-18. Review status: criteria provided, single submitter. Criteria: Ambry Variant Classification Scheme 2023. Collection method: clinical testing. Allele origin: germline.
Comment: The p.T137K variant (also known as c.410C>A), located in coding exon 2 of the TCAP gene, results from a C to A substitution at nucleotide position 410. The threonine at codon 137 is replaced by lysine, an amino acid with similar properties. This amino acid position is well conserved in available vertebrate species. In addition, this alteration is predicted to be tolerated by in silico analysis. Based on the available evidence, the clinical significance of this variant remains unclear.

CeGaT Center for Human Genetics Tuebingen
Classification: Uncertain significance. Last evaluated: 2022-11-01. Review status: criteria provided, single submitter. Criteria: CeGaT Center For Human Genetics Tuebingen Variant Classification Criteria Version 2. Collection method: clinical testing. Allele origin: germline. Affected: yes. Observed: 1 variant allele.
Comment: TCAP: PM2, PM5:Supporting